The following is an entry in ClinVar:

ClinVar aggregate classification (germline): Uncertain significance (1 of 4 stars; one submission).

Conditions:
Fanconi anemia complementation group J. Also called: BRIP1-Related Fanconi Anemia. Identifiers: Orphanet 84, MedGen C1836860, MONDO:0012187, OMIM 609054.
Familial cancer of breast. Also called: Hereditary breast cancer; hereditary breast carcinoma; BREAST CANCER, FAMILIAL. Identifiers: Orphanet 227535, MedGen C0346153, MONDO:0016419, OMIM 114480. Disease mechanism: loss of function.

Submission:

Labcorp Genetics (formerly Invitae), Labcorp
Classification: Uncertain significance for Familial cancer of breast; Fanconi anemia complementation group J. Last evaluated: 2025-08-18. Review status: criteria provided, single submitter. Criteria: Invitae Variant Classification Sherloc (09022015). Collection method: clinical testing. Allele origin: germline.
Comment: This sequence change replaces lysine, which is basic and polar, with glutamic acid, which is acidic and polar, at codon 886 of the BRIP1 protein (p.Lys886Glu). This variant is not present in population databases (gnomAD no frequency). This variant has not been reported in the literature in individuals affected with BRIP1-related conditions. Invitae Evidence Modeling of protein sequence and biophysical properties (such as structural, functional, and spatial information, amino acid conservation, physicochemical variation, residue mobility, and thermodynamic stability) indicates that this missense variant is not expected to disrupt BRIP1 protein function with a negative predictive value of 95%. In summary, the available evidence is currently insufficient to determine the role of this variant in disease. Therefore, it has been classified as a Variant of Uncertain Significance.

NM_032043.3(BRIP1):c.2656A>G (p.Lys886Glu)

Gene: BRIP1 (BRCA1 interacting DNA helicase 1; minus strand). Cytogenetic location: 17q23.2.
Variant type: single nucleotide variant.
Coding change: c.2656A>G on transcript NM_032043.3 (MANE Select); coding-DNA position 2656, A replaced by G.
Protein change: p.Lys886Glu; replaces lysine 886 with glutamic acid.
Molecular consequence: missense variant.
Genome position (GRCh38, 1-based): chr17:61,686,085, T>C on the plus strand (A>G on the coding strand, the complement: BRIP1 is on the minus strand). VCF-style: chr17-61686085-T-C. GRCh37 (hg19) VCF-style: chr17-59763446-T-C.
Other names: short protein forms K886E.
Identifiers: ClinVar variation 4783569 (VCV004783569.1).